The following is an entry in ClinVar:

NM_000455.5(STK11):c.29G>T (p.Gly10Val)

Gene: STK11 (serine/threonine kinase 11; plus strand). Cytogenetic location: 19p13.3.
Variant type: single nucleotide variant.
Coding change: c.29G>T on transcript NM_000455.5 (MANE Select); coding-DNA position 29, G replaced by T.
Protein change: p.Gly10Val; replaces glycine 10 with valine.
Molecular consequence: missense variant.
Genome position (GRCh38, 1-based): chr19:1,206,942, G>T. VCF-style: chr19-1206942-G-T. GRCh37 (hg19) VCF-style: chr19-1206941-G-T.
Other names: c.29G>T (NM_000455.4); short protein forms G10V.
Identifiers: ClinVar variation 1034727 (VCV001034727.9), dbSNP rs2080670108, ClinGen allele CA402943109.

ClinVar aggregate classification (germline): Uncertain significance. Review status: criteria provided, multiple submitters, no conflicts (2 of 4 stars). 2 submissions from 2 submitters: Uncertain significance (2). Last evaluated 2026-02-24.

Conditions:
Hereditary cancer-predisposing syndrome. Also called: Hereditary Cancer Syndrome; Neoplastic Syndromes, Hereditary; Tumor predisposition; Hereditary neoplastic syndrome. Identifiers: Orphanet 140162, MedGen C0027672, MeSH D009386, MONDO:0015356.
Peutz-Jeghers syndrome (PJS). Also called: POLYPOSIS, HAMARTOMATOUS INTESTINAL; POLYPS-AND-SPOTS SYNDROME; Peutz-Jeghers polyposis; Periorificial lentiginosis syndrome. Identifiers: Orphanet 2869, MedGen C0031269, MeSH D010580, MONDO:0008280, OMIM 175200.

Submissions (2):

Ambry Genetics
Classification: Uncertain significance for Hereditary cancer-predisposing syndrome. Last evaluated: 2026-02-24. Review status: criteria provided, single submitter. Criteria: Ambry Variant Classification Scheme 2023. Collection method: clinical testing. Allele origin: germline.
Comment: The p.G10V variant (also known as c.29G>T), located in coding exon 1 of the STK11 gene, results from a G to T substitution at nucleotide position 29. The glycine at codon 10 is replaced by valine, an amino acid with dissimilar properties. This amino acid position is conserved. In addition, this alteration is predicted to be tolerated by in silico analysis. Based on the available evidence, the clinical significance of this variant remains unclear.

Labcorp Genetics (formerly Invitae), Labcorp
Classification: Uncertain significance for Peutz-Jeghers syndrome. Last evaluated: 2020-02-19. Review status: criteria provided, single submitter. Criteria: Invitae Variant Classification Sherloc (09022015). Collection method: clinical testing. Allele origin: germline.
Comment: This sequence change replaces glycine with valine at codon 10 of the STK11 protein (p.Gly10Val). The glycine residue is moderately conserved and there is a moderate physicochemical difference between glycine and valine. This variant is not present in population databases (ExAC no frequency). This variant has not been reported in the literature in individuals with STK11-related conditions. Algorithms developed to predict the effect of missense changes on protein structure and function (SIFT, PolyPhen-2, Align-GVGD) all suggest that this variant is likely to be tolerated, but these predictions have not been confirmed by published functional studies and their clinical significance is uncertain. In summary, the available evidence is currently insufficient to determine the role of this variant in disease. Therefore, it has been classified as a Variant of Uncertain Significance.